The following is an entry in ClinVar:

NM_001256789.3(CACNA1F):c.5594C>G (p.Thr1865Ser)

Gene: CACNA1F (calcium voltage-gated channel subunit alpha1 F; minus strand). Cytogenetic location: Xp11.23.
Variant type: single nucleotide variant.
Coding change: c.5594C>G on transcript NM_001256789.3 (MANE Select); coding-DNA position 5594, C replaced by G.
Protein change: p.Thr1865Ser; replaces threonine 1865 with serine.
Molecular consequence: missense variant.
Genome position (GRCh38, 1-based): chrX:49,205,692, G>C on the plus strand (C>G on the coding strand, the complement: CACNA1F is on the minus strand). VCF-style: chrX-49205692-G-C. GRCh37 (hg19) VCF-style: chrX-49062152-G-C.
Other names: c.5432C>G, p.Thr1811Ser (NM_001256790.3); c.5627C>G, p.Thr1876Ser (NM_005183.4); short protein forms T1811S, T1865S, T1876S.
Identifiers: ClinVar variation 1722081 (VCV001722081.5), dbSNP rs1477304708, ClinGen allele CA412957061.
Genomic context (GRCh38, chrX:49,205,692, plus strand): 5'-TCGGCACTGCCCCTCTTCCCATGGCTGGGGTCCGAGTGGGTTCCAGGCACGTGCAGACAG[G>C]TGAAGGTGCGCAGTGGGCCACTGGATCTGCCGAGGTACCCCTCCCCCGCTGCGCCCTCTT-3'
Protein context (NP_001243718.1, residues 1855-1875): GRSSGPLRTF[Thr1865Ser]CLHVPGTHSD

ClinVar aggregate classification (germline): Uncertain significance (1 of 4 stars; one submission).

Allele frequency attached by ClinVar (database versions not stated): TOPMed below 0.00001; gnomAD 0.00002.
gnomAD v4.1: 2 of 1,203,130 alleles (0.00017%); highest among the groups gnomAD compares: East Asian, 0.006%; no homozygotes.

Submission:

Labcorp Genetics (formerly Invitae), Labcorp
Classification: Uncertain significance. Last evaluated: 2025-10-13. Review status: criteria provided, single submitter. Criteria: Invitae Variant Classification Sherloc (09022015). Collection method: clinical testing. Allele origin: germline.
Comment: This sequence change replaces threonine, which is neutral and polar, with serine, which is neutral and polar, at codon 1876 of the CACNA1F protein (p.Thr1876Ser). This variant is present in population databases (no rsID available, gnomAD 0.2%). This missense change has been observed in individual(s) with clinical features of cone-rod dystrophy (internal data). ClinVar contains an entry for this variant (Variation ID: 1722081). An algorithm developed to predict the effect of missense changes on protein structure and function (PolyPhen-2) suggests that this variant is likely to be tolerated. In summary, the available evidence is currently insufficient to determine the role of this variant in disease. Therefore, it has been classified as a Variant of Uncertain Significance.